The following is an entry in ClinVar:

ClinVar aggregate classification (germline): Uncertain significance (1 of 4 stars; one submission).

Conditions:
Inborn genetic diseases. Identifiers: MedGen C0950123, MeSH D030342.

Submission:

Ambry Genetics
Classification: Uncertain significance for Inborn genetic diseases. Last evaluated: 2024-03-21. Review status: criteria provided, single submitter. Criteria: Ambry Variant Classification Scheme 2023. Collection method: clinical testing. Allele origin: germline.
Comment: The p.N178S variant (also known as c.533A>G), located in coding exon 5 of the MDH2 gene, results from an A to G substitution at nucleotide position 533. The asparagine at codon 178 is replaced by serine, an amino acid with highly similar properties. This amino acid position is conserved. In addition, this alteration is predicted to be tolerated by in silico analysis. Based on the available evidence, the clinical significance of this alteration remains unclear.

NM_005918.4(MDH2):c.533A>G (p.Asn178Ser)

Gene: MDH2 (malate dehydrogenase 2; plus strand). Cytogenetic location: 7q11.23.
Variant type: single nucleotide variant.
Coding change: c.533A>G on transcript NM_005918.4 (MANE Select); coding-DNA position 533, A replaced by G.
Protein change: p.Asn178Ser; replaces asparagine 178 with serine.
Molecular consequence: missense variant. On other transcripts: intron variant (1).
Genome position (GRCh38, 1-based): chr7:76,060,476, A>G. VCF-style: chr7-76060476-A-G. GRCh37 (hg19) VCF-style: chr7-75689794-A-G.
Other names: c.212A>G, p.Asn71Ser (NM_001282404.2); c.429+2398A>G (NM_001282403.2); short protein forms N178S, N71S.
Identifiers: ClinVar variation 3293825 (VCV003293825.1).